The following is an entry in ClinVar:

NM_015205.3(ATP11A):c.2971A>G (p.Thr991Ala)

Gene: ATP11A (ATPase phospholipid transporting 11A; plus strand). Cytogenetic location: 13q34.
Variant type: single nucleotide variant.
Coding change: c.2971A>G on transcript NM_015205.3 (MANE Select); coding-DNA position 2971, A replaced by G.
Protein change: p.Thr991Ala; replaces threonine 991 with alanine.
Molecular consequence: missense variant.
Genome position (GRCh38, 1-based): chr13:112,862,555, A>G. VCF-style: chr13-112862555-A-G. GRCh37 (hg19) VCF-style: chr13-113516869-A-G.
Other names: c.2971A>G, p.Thr991Ala (NM_001405661.1, NM_001405662.1, NM_001405663.1 and 1 more transcripts); short protein forms T991A.
Identifiers: ClinVar variation 4998665 (VCV004998665.1).
Genomic context (GRCh38, chr13:112,862,555, plus strand): 5'-CTGGGACTGTTTGACGCACTGGTGTTCTTCTTTGGTGCTTATTTCGTGTTTGAAAATACA[A>G]CTGTGACAAGCAACGGGCAGGTCAGTACAGAGCTCGATTGCGCTGACTTAGCTGCTTAGG-3'
Protein context (NP_056020.2, residues 981-1001): FGAYFVFENT[Thr991Ala]VTSNGQIFGN

ClinVar aggregate classification (germline): Uncertain significance (1 of 4 stars; one submission).

Conditions:
ATP11A-related disorder. Also called: ATP11A-related condition.

gnomAD v4.1: 2 of 1,614,176 alleles (0.00012%); highest among the groups gnomAD compares: African/African-American, 0.0013%; no homozygotes.

Submission:

PreventionGenetics, part of Exact Sciences
Classification: Uncertain significance for ATP11A-related condition. Last evaluated: 2026-09-18. Review status: criteria provided, single submitter. Criteria: ACMG Guidelines, 2015. Collection method: clinical testing. Allele origin: germline.
Comment: The ATP11A c.2971A>G variant is predicted to result in the amino acid substitution p.Thr991Ala. To our knowledge, this variant has not been reported in the literature or in a large population database (gnomAD), indicating this variant is rare. At this time, the clinical significance of this variant is uncertain due to the absence of conclusive functional and genetic evidence.